The following is an entry in ClinVar:

NM_020433.5(JPH2):c.875T>A (p.Met292Lys)

Gene: JPH2 (junctophilin 2; minus strand). Cytogenetic location: 20q13.12.
Variant type: single nucleotide variant.
Coding change: c.875T>A on transcript NM_020433.5 (MANE Select); coding-DNA position 875, T replaced by A.
Protein change: p.Met292Lys; replaces methionine 292 with lysine.
Molecular consequence: missense variant.
Genome position (GRCh38, 1-based): chr20:44,159,912, A>T on the plus strand (T>A on the coding strand, the complement: JPH2 is on the minus strand). VCF-style: chr20-44159912-A-T. GRCh37 (hg19) VCF-style: chr20-42788552-A-T.
Other names: short protein forms M292K.
Identifiers: ClinVar variation 3531518 (VCV003531518.2).
Genomic context (GRCh38, chr20:44,159,912, plus strand): 5'-AGGCCACTGGAGCGTTCGCTCACGCCGAAGCCCGAGCGTTTGTCGTTCTTCCACTCGCCC[A>T]TGTAGGTCTCGGTGGTGGTGGCGTCGATATCGGCCTCGAAGGGTGCGGCCTCGTCGGCGC-3'
Protein context (NP_065166.2, residues 282-302): DIDATTTETY[Met292Lys]GEWKNDKRSG

ClinVar aggregate classification (germline): Uncertain significance (1 of 4 stars; one submission).

Conditions:
Cardiovascular phenotype. Identifiers: MedGen CN230736.

gnomAD v4.1: 22 of 1,577,052 alleles (0.0014%); highest among the groups gnomAD compares: Non-Finnish European, 0.0017%; no homozygotes.

Submission:

Ambry Genetics
Classification: Uncertain significance for Cardiovascular phenotype. Last evaluated: 2026-08-08. Review status: criteria provided, single submitter. Criteria: Ambry Variant Classification Scheme 2023. Collection method: clinical testing. Allele origin: germline.
Comment: The p.M292K variant (also known as c.875T>A), located in coding exon 2 of the JPH2 gene, results from a T to A substitution at nucleotide position 875. The methionine at codon 292 is replaced by lysine, an amino acid with similar properties. This amino acid position is conserved. In addition, the in silico prediction for this alteration is inconclusive. Based on the available evidence, the clinical significance of this variant remains unclear.